The following is an entry in ClinVar:

ClinVar aggregate classification (germline): Uncertain significance. Review status: criteria provided, multiple submitters, no conflicts (2 of 4 stars). 2 submissions from 2 submitters: Uncertain significance (2). Last evaluated 2023-06-14.

Conditions:
Hereditary cancer-predisposing syndrome. Also called: Tumor predisposition; Hereditary neoplastic syndrome; Hereditary Cancer Syndrome; Neoplastic Syndromes, Hereditary. Identifiers: Orphanet 140162, MedGen C0027672, MeSH D009386, MONDO:0015356.
Familial cancer of breast. Also called: hereditary breast carcinoma; BREAST CANCER, FAMILIAL; Hereditary breast cancer. Identifiers: Orphanet 227535, MedGen C0346153, MONDO:0016419, OMIM 114480. Disease mechanism: loss of function.

Allele frequency attached by ClinVar (database versions not stated): gnomAD exomes below 0.00001.
gnomAD v4.1: 1 of 1,595,214 alleles (0.000063%); highest among the groups gnomAD compares: African/African-American, 0.0014%; no homozygotes.

Submissions (2):

Ambry Genetics
Classification: Uncertain significance for Hereditary cancer-predisposing syndrome. Last evaluated: 2023-06-14. Review status: criteria provided, single submitter. Criteria: Ambry Variant Classification Scheme 2023. Collection method: clinical testing. Allele origin: germline.
Comment: The p.K208E variant (also known as c.622A>G), located in coding exon 4 of the BARD1 gene, results from an A to G substitution at nucleotide position 622. The lysine at codon 208 is replaced by glutamic acid, an amino acid with similar properties. This amino acid position is conserved. In addition, the in silico prediction for this alteration is inconclusive. Since supporting evidence is limited at this time, the clinical significance of this alteration remains unclear.

Labcorp Genetics (formerly Invitae), Labcorp
Classification: Uncertain significance for Familial cancer of breast. Last evaluated: 2023-05-15. Review status: criteria provided, single submitter. Criteria: Invitae Variant Classification Sherloc (09022015). Collection method: clinical testing. Allele origin: germline.
Comment: In summary, the available evidence is currently insufficient to determine the role of this variant in disease. Therefore, it has been classified as a Variant of Uncertain Significance. An algorithm developed to predict the effect of missense changes on protein structure and function (PolyPhen-2) suggests that this variant is likely to be disruptive. ClinVar contains an entry for this variant (Variation ID: 575931). This variant has not been reported in the literature in individuals affected with BARD1-related conditions. This variant is not present in population databases (gnomAD no frequency). This sequence change replaces lysine, which is basic and polar, with glutamic acid, which is acidic and polar, at codon 208 of the BARD1 protein (p.Lys208Glu).

NM_000465.4(BARD1):c.622A>G (p.Lys208Glu)

Gene: BARD1 (BRCA1 associated RING domain 1; minus strand). Cytogenetic location: 2q35.
Variant type: single nucleotide variant.
Coding change: c.622A>G on transcript NM_000465.4 (MANE Select); coding-DNA position 622, A replaced by G.
Protein change: p.Lys208Glu; replaces lysine 208 with glutamic acid.
Molecular consequence: missense variant. On other transcripts: non-coding transcript variant (2), intron variant (3).
Genome position (GRCh38, 1-based): chr2:214,781,252, T>C on the plus strand (A>G on the coding strand, the complement: BARD1 is on the minus strand). VCF-style: chr2-214781252-T-C. GRCh37 (hg19) VCF-style: chr2-215645976-T-C.
Other names: c.565A>G, p.Lys189Glu (NM_001282543.2); c.158+28160A>G (NM_001282548.2); c.215+15809A>G (NM_001282545.2); c.364+11045A>G (NM_001282549.2); c.622A>G (NM_000465.2); short protein forms K208E, K189E.
Identifiers: ClinVar variation 575931 (VCV000575931.13), dbSNP rs1559425550, ClinGen allele CA350456663.